The following is an entry in ClinVar:

ClinVar aggregate classification (germline): Pathogenic/Likely pathogenic. Review status: criteria provided, multiple submitters, no conflicts (2 of 4 stars). 2 submissions from 2 submitters: Pathogenic (1); Likely pathogenic (1). Last evaluated 2025-12-30.

Conditions:
Glycogen storage disease, type V (GSD5). Also called: McArdle type glycogen storage disease; MCARDLE DISEASE; MUSCLE GLYCOGEN PHOSPHORYLASE DEFICIENCY; MYOPHOSPHORYLASE DEFICIENCY; PYGM DEFICIENCY. Identifiers: Orphanet 368, MedGen C0017924, MONDO:0009293, OMIM 232600.

Submissions (2):

Myriad Genetics, Inc.
Classification: Pathogenic for Glycogen storage disease, type V. Last evaluated: 2025-12-30. Review status: criteria provided, single submitter. Criteria: Myriad Autosomal Dominant, Autosomal Recessive and X-Linked Classification Criteria (2023). Collection method: clinical testing. Allele origin: unknown.
Comment: NM_005609.2(PYGM):c.690dupC(V231Rfs*22) is expected to be pathogenic in the context of glycogen storage disease, PYGM-related. This variant is predicted to lead to an abnormal or absent protein product due to the creation of a premature termination codon in PYGM, a gene where loss-of-function variants are known to be pathogenic. Please note: this variant was assessed in the context of healthy population screening.

Fulgent Genetics
Classification: Likely pathogenic for Glycogen storage disease, type V. Last evaluated: 2024-02-08. Review status: criteria provided, single submitter. Criteria: ACMG Guidelines, 2015. Collection method: clinical testing. Allele origin: germline.

NM_005609.4(PYGM):c.690dup (p.Val231fs)

Gene: PYGM (glycogen phosphorylase, muscle associated; minus strand). Cytogenetic location: 11q13.1.
Variant type: Duplication.
Coding change: c.690dup on transcript NM_005609.4 (MANE Select); coding-DNA position 690, one base duplicated (C; older notation c.690dupC).
Protein change: p.Val231fs; shifts the reading frame from valine 231.
Molecular consequence: frameshift variant.
Genome position (GRCh38, 1-based): chr11:64,755,529, G duplicated on the plus strand (C on the coding strand, the reverse complement: PYGM is on the minus strand); the first of 3 consecutive G bases (chr11:64,755,529-64,755,531); duplicating any one gives the same sequence. VCF-style (leftmost placement, unchanged base first): chr11-64755528-C-CG. GRCh37 (hg19) VCF-style: chr11-64523000-C-CG.
Other names: c.426dup, p.Val143fs (NM_001164716.1); short protein forms V143fs, V231fs.
Identifiers: ClinVar variation 3600068 (VCV003600068.2).
Genomic context (GRCh38, chr11:64,755,528, plus strand): 5'-TGGGAGCCTTGGCAGACCAGAGGCGCATGGTGTTGACAACATTGTTGCGATAGCCAGGCA[C>CG]GGGCGTATCGTAGGGCATGGCCAGTACCACCTGCGGGGGGCAATCCTGTCAGGAGCTGGC-3'